The following is an entry in ClinVar:

ClinVar aggregate classification (germline): Likely benign (0 of 4 stars; one submission).

Conditions:
UBE3C-related disorder. Also called: UBE3C-related condition.

Allele frequency attached by ClinVar (database versions not stated): TOPMed 0.00001.
gnomAD v4.1: 8 of 1,614,030 alleles (0.0005%); highest among the groups gnomAD compares: East Asian, 0.0022%; no homozygotes.

Submission:

PreventionGenetics, part of Exact Sciences
Classification: Likely benign for UBE3C-related condition. Last evaluated: 2019-02-21. Review status: no assertion criteria provided. Collection method: clinical testing. Allele origin: germline.
Comment: This variant is classified as likely benign based on ACMG/AMP sequence variant interpretation guidelines (Richards et al. 2015 PMID: 25741868, with internal and published modifications).

NM_014671.3(UBE3C):c.2265C>T (p.His755=)

Gene: UBE3C (ubiquitin protein ligase E3C; plus strand). Cytogenetic location: 7q36.3.
Variant type: single nucleotide variant.
Coding change: c.2265C>T on transcript NM_014671.3 (MANE Select); coding-DNA position 2265, C replaced by T.
Protein change: p.His755=; no amino-acid change (histidine 755 retained).
Molecular consequence: synonymous variant.
Genome position (GRCh38, 1-based): chr7:157,231,111, C>T. VCF-style: chr7-157231111-C-T. GRCh37 (hg19) VCF-style: chr7-157023805-C-T.
Identifiers: ClinVar variation 3057827 (VCV003057827.2), dbSNP rs1463108717, ClinGen allele CA458895026.